The following is an entry in ClinVar:

NM_002637.4(PHKA1):c.133C>T (p.Arg45Ter)

Gene: PHKA1 (phosphorylase kinase regulatory subunit alpha 1; minus strand). Cytogenetic location: Xq13.1.
Variant type: single nucleotide variant.
Coding change: c.133C>T on transcript NM_002637.4 (MANE Select); coding-DNA position 133, C replaced by T.
Protein change: p.Arg45Ter; replaces arginine 45 with a stop codon.
Molecular consequence: nonsense.
Genome position (GRCh38, 1-based): chrX:72,712,883, G>A on the plus strand (C>T on the coding strand, the complement: PHKA1 is on the minus strand). VCF-style: chrX-72712883-G-A. GRCh37 (hg19) VCF-style: chrX-71932725-G-A.
Other names: c.133C>T, p.Arg45Ter (NM_001122670.2, NM_001172436.2, NM_001431068.1); short protein forms R45*.
Identifiers: ClinVar variation 3363423 (VCV003363423.1).

ClinVar aggregate classification (germline): Uncertain significance (1 of 4 stars; one submission).

gnomAD v4.1: 4 of 1,210,873 alleles (0.00033%); highest among the groups gnomAD compares: Non-Finnish European, 0.00045%; no homozygotes.

Submission:

GeneDx
Classification: Uncertain significance. Last evaluated: 2023-10-26. Review status: criteria provided, single submitter. Criteria: GeneDx Variant Classification Process June 2021. Collection method: clinical testing. Allele origin: germline. Affected: yes.
Comment: Has not been previously published as pathogenic or benign to our knowledge; Nonsense variant predicted to result in protein truncation or nonsense mediated decay in a gene for which loss of function is a known mechanism of disease